The following is an entry in ClinVar:

NM_002843.4(PTPRJ):c.3481T>G (p.Tyr1161Asp)

Gene: PTPRJ (protein tyrosine phosphatase receptor type J; plus strand). Cytogenetic location: 11p11.2.
Variant type: single nucleotide variant.
Coding change: c.3481T>G on transcript NM_002843.4 (MANE Select); coding-DNA position 3481, T replaced by G.
Protein change: p.Tyr1161Asp; replaces tyrosine 1161 with aspartic acid.
Molecular consequence: missense variant.
Genome position (GRCh38, 1-based): chr11:48,159,972, T>G. VCF-style: chr11-48159972-T-G. GRCh37 (hg19) VCF-style: chr11-48181524-T-G.
Other names: short protein forms Y1161D.
Identifiers: ClinVar variation 2641773 (VCV002641773.24), dbSNP rs2495247782, ClinGen allele CA380390050.

ClinVar aggregate classification (germline): Uncertain significance (1 of 4 stars; one submission).

gnomAD v4.1: 1 of 1,613,928 alleles (0.000062%); highest among the groups gnomAD compares: Non-Finnish European, 0.000085%; no homozygotes.

Submission:

CeGaT Center for Human Genetics Tuebingen
Classification: Uncertain significance. Last evaluated: 2022-03-01. Review status: criteria provided, single submitter. Criteria: CeGaT Center For Human Genetics Tuebingen Variant Classification Criteria Version 2. Collection method: clinical testing. Allele origin: germline. Affected: yes. Observed: 1 variant allele.
Comment: PTPRJ: PM2